The following is an entry in ClinVar:

ClinVar aggregate classification (germline): Uncertain significance (1 of 4 stars; one submission).

Conditions:
Brugada syndrome. Also called: Sudden unexpected nocturnal death syndrome; Sudden unexplained nocturnal death syndrome; Sudden Unexplained Death Syndrome; Sudden Unexplained Nocturnal Death Syndrome (SUNDS). Identifiers: Orphanet 130, MedGen C1142166, MONDO:0015263.

Submission:

Labcorp Genetics (formerly Invitae), Labcorp
Classification: Uncertain significance for Brugada syndrome. Last evaluated: 2024-02-25. Review status: criteria provided, single submitter. Criteria: Invitae Variant Classification Sherloc (09022015). Collection method: clinical testing. Allele origin: germline.
Comment: This variant results in the deletion of part of exon 4 (c.501_505+8del) of the GPD1L gene. It is expected to disrupt RNA splicing. Variants that disrupt the donor or acceptor splice site typically lead to a loss of protein function (PMID: 16199547), however the current clinical and genetic evidence is not sufficient to establish whether loss-of-function variants in GPD1L cause disease. This variant is not present in population databases (gnomAD no frequency). This variant has not been reported in the literature in individuals affected with GPD1L-related conditions. In summary, the available evidence is currently insufficient to determine the role of this variant in disease. Therefore, it has been classified as a Variant of Uncertain Significance.

Literature cited by the submitters: PubMed 16199547.

NM_015141.4(GPD1L):c.501_505+8del

Gene: GPD1L (glycerol-3-phosphate dehydrogenase 1 like; plus strand). Cytogenetic location: 3p22.3.
Variant type: Deletion.
Coding change: c.501_505+8del on transcript NM_015141.4 (MANE Select); coding-DNA position 501 through 8 bases into the intron after coding-DNA position 505, 13 bases deleted (CATCGGTAAGCAC).
Molecular consequence: splice donor variant.
Genome position (GRCh38, 1-based): chr3:32,140,362-32,140,374, CATCGGTAAGCAC deleted; deleting any 13 consecutive bases within chr3:32,140,359-32,140,374 gives the same sequence; the c. name uses the placement nearest the transcript's 3' end. VCF-style (leftmost placement, unchanged base first): chr3-32140358-CCACCATCGGTAAG-C. GRCh37 (hg19) VCF-style: chr3-32181850-CCACCATCGGTAAG-C.
Identifiers: ClinVar variation 3643177 (VCV003643177.2).
Genomic context (GRCh38, chr3:32,140,358, plus strand): 5'-TCAGTGTGCTGATGGGAGCCAACATTGCCAATGAGGTGGCTGCAGAGAAGTTCTGTGAGA[CCACCATCGGTAAG>C]CACTGCCTGGGAGGGACCCCAGGAGTCTGGACATTTGATGTTTGAACATGTACATATTCC-3'